The following is an entry in ClinVar:

ClinVar aggregate classification (germline): Uncertain significance. Review status: criteria provided, multiple submitters, no conflicts (2 of 4 stars). 3 submissions from 3 submitters: Uncertain significance (3). Last evaluated 2026-06-06.

Conditions:
IGHMBP2-related disorder. Also called: IGHMBP2-related disorders; IGHMBP2-related condition.
Inborn genetic diseases. Identifiers: MedGen C0950123, MeSH D030342.
Charcot-Marie-Tooth disease axonal type 2S. Also called: CHARCOT-MARIE-TOOTH DISEASE, AXONAL, AUTOSOMAL RECESSIVE, TYPE 2S; CHARCOT-MARIE-TOOTH NEUROPATHY, TYPE 2S. Identifiers: Orphanet 443073, MedGen C4015349, MONDO:0014511, OMIM 616155.
Autosomal recessive distal spinal muscular atrophy 1. Also called: Spinal muscular atrophy with respiratory distress 1; HMN VI; NEURONOPATHY, DISTAL HEREDITARY MOTOR, HARDING TYPE VI; NEUROPATHY, DISTAL HEREDITARY MOTOR, AUTOSOMAL RECESSIVE 1; NEURONOPATHY, SEVERE INFANTILE AXONAL, WITH RESPIRATORY FAILURE; SEVERE INFANTILE AXONAL NEUROPATHY WITH RESPIRATORY FAILURE. Identifiers: Orphanet 98920, MedGen C1858517, MONDO:0011436, OMIM 604320.

Allele frequency attached by ClinVar (database versions not stated): gnomAD exomes below 0.00001; gnomAD 0.00001; TOPMed 0.00001.
gnomAD v4.1: 8 of 1,614,072 alleles (0.0005%); highest among the groups gnomAD compares: Non-Finnish European, 0.00059%; no homozygotes.

Submissions (3):

PreventionGenetics, part of Exact Sciences
Classification: Uncertain significance for IGHMBP2-related condition. Last evaluated: 2026-06-06. Review status: criteria provided, single submitter. Criteria: ACMG Guidelines, 2015. Collection method: clinical testing. Allele origin: germline.
Comment: The IGHMBP2 c.1681A>G variant is predicted to result in the amino acid substitution p.Ile561Val. To our knowledge, this variant has not been reported in the literature. This variant is reported in 0.00088% of alleles in individuals of European (Non-Finnish) descent in gnomAD. At this time, the clinical significance of this variant is uncertain due to the absence of conclusive functional and genetic evidence.

Ambry Genetics
Classification: Uncertain significance for Inborn genetic diseases. Last evaluated: 2024-01-03. Review status: criteria provided, single submitter. Criteria: Ambry Variant Classification Scheme 2023. Collection method: clinical testing. Allele origin: germline.

Labcorp Genetics (formerly Invitae), Labcorp
Classification: Uncertain significance for Autosomal recessive distal spinal muscular atrophy 1; Charcot-Marie-Tooth disease axonal type 2S. Last evaluated: 2022-09-06. Review status: criteria provided, single submitter. Criteria: Invitae Variant Classification Sherloc (09022015). Collection method: clinical testing. Allele origin: germline.
Comment: This sequence change replaces isoleucine, which is neutral and non-polar, with valine, which is neutral and non-polar, at codon 561 of the IGHMBP2 protein (p.Ile561Val). This variant is present in population databases (no rsID available, gnomAD 0.0009%). This variant has not been reported in the literature in individuals affected with IGHMBP2-related conditions. Advanced modeling of protein sequence and biophysical properties (such as structural, functional, and spatial information, amino acid conservation, physicochemical variation, residue mobility, and thermodynamic stability) performed at Invitae indicates that this missense variant is not expected to disrupt IGHMBP2 protein function. In summary, the available evidence is currently insufficient to determine the role of this variant in disease. Therefore, it has been classified as a Variant of Uncertain Significance.

NM_002180.3(IGHMBP2):c.1681A>G (p.Ile561Val)

Gene: IGHMBP2 (immunoglobulin mu DNA binding protein 2; plus strand). Cytogenetic location: 11q13.3.
Variant type: single nucleotide variant.
Coding change: c.1681A>G on transcript NM_002180.3 (MANE Select); coding-DNA position 1681, A replaced by G.
Protein change: p.Ile561Val; replaces isoleucine 561 with valine.
Molecular consequence: missense variant.
Genome position (GRCh38, 1-based): chr11:68,935,347, A>G. VCF-style: chr11-68935347-A-G. GRCh37 (hg19) VCF-style: chr11-68702815-A-G.
Other names: short protein forms I561V.
Identifiers: ClinVar variation 2064813 (VCV002064813.3), dbSNP rs1019957486, ClinGen allele CA223412076.